The following is an entry in ClinVar:

ClinVar aggregate classification (germline): Pathogenic. Review status: criteria provided, multiple submitters, no conflicts (2 of 4 stars). 8 submissions from 8 submitters: Pathogenic (5). 3 of the submissions do not count toward it. Last evaluated 2023-12-26.

Conditions:
AGXT-related disorder. Also called: AGXT-related condition.
Primary hyperoxaluria. Identifiers: Orphanet 416, MedGen C0020501, MONDO:0002474.
Primary hyperoxaluria, type I (HP1). Also called: GLYCOLIC ACIDURIA; HEPATIC AGT DEFICIENCY; OXALOSIS I; Primary hyperoxaluria type 1. Identifiers: Orphanet 416, Orphanet 93598, MedGen C0268164, MONDO:0009823, OMIM 259900. Disease mechanism: loss of function.

Submissions (8):

Labcorp Genetics (formerly Invitae), Labcorp
Classification: Pathogenic. Last evaluated: 2023-12-26. Review status: criteria provided, single submitter. Criteria: Invitae Variant Classification Sherloc (09022015). Collection method: clinical testing. Allele origin: germline.
Comment: This sequence change creates a premature translational stop signal (p.Lys12Argfs*34) in the AGXT gene. It is expected to result in an absent or disrupted protein product. Loss-of-function variants in AGXT are known to be pathogenic (PMID: 19479957). The frequency data for this variant in the population databases is considered unreliable, as metrics indicate poor data quality at this position in the gnomAD database. This premature translational stop signal has been observed in individuals with hyperoxaluria (PMID: 15963748, 17495019, 26383609). ClinVar contains an entry for this variant (Variation ID: 188775). Algorithms developed to predict the effect of sequence changes on RNA splicing suggest that this variant may create or strengthen a splice site. For these reasons, this variant has been classified as Pathogenic.

Clinical Biochemistry Laboratory, Health Services Laboratory
Classification: Pathogenic for Primary hyperoxaluria, type I. Last evaluated: 2023-10-27. Review status: criteria provided, single submitter. Criteria: ACMG Guidelines, 2015. Collection method: curation. Allele origin: germline. Affected: yes.
Comment: ACMG:PVS1 PM2 PM3 PP4

Women's Health and Genetics/Laboratory Corporation of America, LabCorp
Classification: Pathogenic for Primary hyperoxaluria. Last evaluated: 2019-02-08. Review status: criteria provided, single submitter. Criteria: LabCorp Variant Classification Summary - May 2015. Collection method: clinical testing. Allele origin: germline.
Comment: Variant summary: AGXT c.33delC (p.Lys12ArgfsX34) results in a premature termination codon, predicted to cause a truncation of the encoded protein or absence of the protein due to nonsense mediated decay, which are commonly known mechanisms for disease. Truncations downstream of this position have been classified as pathogenic by our laboratory (e.g. p.Lys12fsX156, p.Ser275fsX38). The variant was absent in 242874 control chromosomes (gnomAD). c.33delC has been reported in the literature in homozygous individuals affected with Primary Hyperoxaluria Type 1 (Amoroso 2001, Williams 2007, Hoyer-Kuhn_2014). These data indicate that the variant is likely to be associated with disease. One of these publications also measured liver AGT activity in a homozygous patient, and demonstrated a pronounced variant effect, resulting in <10% of normal activity (Williams 2007). No clinical diagnostic laboratories have submitted clinical-significance assessments for this variant to ClinVar after 2014. Based on the evidence outlined above, the variant was classified as pathogenic.

Juno Genomics, Hangzhou Juno Genomics, Inc
Classification: Pathogenic for Primary hyperoxaluria, type I. Review status: criteria provided, single submitter. Criteria: ACMG Guidelines, 2015. Collection method: clinical testing. Allele origin: germline.
Comment: Absent from controls (or at extremely low frequency if recessive) in Genome Aggregation Database.;Null variant in a gene where loss of function (LOF) is a known mechanism of disease.;For recessive disorders, detected in trans with a pathogenic variant.;Patient's phenotype or family history is highly specific for a disease with a single genetic etiology.

Neuberg Centre For Genomic Medicine, NCGM
Classification: Pathogenic for Primary hyperoxaluria, type I. Review status: criteria provided, single submitter. Criteria: ACMG Guidelines, 2015. Collection method: clinical testing. Allele origin: germline. Inheritance: Autosomal recessive inheritance. Affected: yes.
Comment: The frame shift c.33del (p.Lys12ArgfsTer34) variant has been reported previously in homozygous state in patients affected with Hyperoxaluria (Coulter-Mackie MB et al). This p.Lys12ArgfsTer34 variant has allele frequency of 0.0017% in the gnomAD and is novel (not in any individuals) in 1000 Genomes. This variant has been reported to the ClinVar database as Pathogenic. This variant causes a frameshift starting with codon Lysine 12, changes this amino acid to Arginine residue, and creates a premature Stop codon at position 34 of the new reading frame, denoted p.Lys12ArgfsTer34. This variant is predicted to cause loss of normal protein function through protein truncation. Loss of function variants have been previously reported to be disease causing. For these reasons, this variant has been classified as Pathogenic.

PreventionGenetics, part of Exact Sciences
Classification: Pathogenic for AGXT-related condition. Last evaluated: 2023-10-18. Review status: no assertion criteria provided. Collection method: clinical testing. Allele origin: germline. Not counted in ClinVar's aggregate classification.
Comment: The AGXT c.33delC variant is predicted to result in a frameshift and premature protein termination (p.Lys12Argfs*34). This variant has been reported in multiple individuals with hyperoxaluria (for example see: Coulter-Mackie et al. 2005. PubMed ID: 15963748; Williams et al. 2007. PubMed ID: 17495019). This variant is reported in 0.017% of alleles in individuals of East Asian descent in gnomAD. Frameshift variants in AGXT are expected to be pathogenic. This variant is interpreted as pathogenic.

Natera, Inc.
Classification: Pathogenic for Primary hyperoxaluria type I. Last evaluated: 2020-08-17. Review status: no assertion criteria provided. Collection method: clinical testing. Allele origin: germline. Not counted in ClinVar's aggregate classification.

Counsyl
Classification: Likely pathogenic for Primary hyperoxaluria, type I. Last evaluated: 2014-05-01. Review status: no assertion criteria provided. Collection method: literature only. Allele origin: unknown. Inheritance: Autosomal recessive inheritance. Not counted in ClinVar's aggregate classification.

Literature cited by the submitters: PubMed 19479957 (cited by Labcorp Genetics (formerly Invitae), Labcorp); PubMed 15963748 (cited by Labcorp Genetics (formerly Invitae), Labcorp and Counsyl); PubMed 17495019 (cited by 3 submitters); PubMed 26383609 (cited by Labcorp Genetics (formerly Invitae), Labcorp); PubMed 10453743 (cited by Clinical Biochemistry Laboratory, Health Services Laboratory and Counsyl); PubMed 11562405 (cited by Women's Health and Genetics/Laboratory Corporation of America, LabCorp and Counsyl); PubMed 16850020 (cited by Counsyl).

NM_000030.3(AGXT):c.33del (p.Lys12fs)

Gene: AGXT (alanine--glyoxylate aminotransferase; plus strand). Cytogenetic location: 2q37.3.
Variant type: Deletion.
Coding change: c.33del on transcript NM_000030.3 (MANE Select); coding-DNA position 33, one base deleted (C; older notation c.33delC).
Protein change: p.Lys12fs; shifts the reading frame from lysine 12.
Molecular consequence: frameshift variant.
Genome position (GRCh38, 1-based): chr2:240,868,898, C deleted; the last of 8 consecutive C bases (chr2:240,868,891-240,868,898); deleting any one gives the same sequence. VCF-style (leftmost placement, unchanged base first): chr2-240868890-AC-A. GRCh37 (hg19) VCF-style: chr2-241808307-AC-A.
Other names: c.33del (NM_000030.2); short protein forms K12fs.
Identifiers: ClinVar variation 188775 (VCV000188775.30), dbSNP rs180177201, ClinGen allele CA273942.